The following is an entry in ClinVar:

ClinVar aggregate classification (germline): other (0 of 4 stars; one submission).

Conditions:
Familial colorectal cancer. Identifiers: MedGen CN280943, MONDO:0023113. Disease mechanism: loss of function.

Submission:

Systems Biology Platform Zhejiang California International NanoSystems Institute
Classification: other for Familial colorectal cancer. Review status: no assertion criteria provided. Collection method: not provided. Allele origin: unknown.
ClinVar note: Converted during submission from cancer to other.

NC_000005.10:g.112849092A>C

Variant type: single nucleotide variant.
Genome position: GRCh38 VCF-style: chr5-112849092-A-C. GRCh37 (hg19) VCF-style: chr5-112184789-A-C.
Identifiers: ClinVar variation 82646 (VCV000082646.3), dbSNP rs75316587, ClinGen allele CA250786.
Genomic context (GRCh38, chr5:112,849,092, plus strand): 5'-AGTTTTAAAATTTCCAAGATAAGACTATAAAAACATCATTGGGGCCGGGAGCGGTGGCTC[A>C]CGCCTGTAATCCCAACTCTTCGGGAGGCCGAGGCAGGTGGATAAGGAGATCAAGAGATCA-3'